The following is an entry in ClinVar:

ClinVar aggregate classification (germline): Uncertain significance (1 of 4 stars; one submission).

Submission:

GeneDx
Classification: Uncertain significance. Last evaluated: 2017-01-12. Review status: criteria provided, single submitter. Criteria: GeneDx Variant Classification (06012015). Collection method: clinical testing. Allele origin: germline. Affected: yes.
Comment: The E587K variant has not been published as a pathogenic variant, nor has it been reported as a benign variant to our knowledge. This variant is not observed in large population cohorts (Lek et al., 2016; 1000 Genomes Consortium et al., 2015; Exome Variant Server). The X#X variant is a non-conservative amino acid substitution that occurs at a position predicted to be within the intracellular loop between the first and second homologous domain where amino acids with similar properties to Glutamic acid are tolerated across species, and in silico analysis predicts this variant is probably damaging to the protein structure/function. Therefore, based on the currently available information, it is unclear whether this variant is a pathogenic variant or a rare benign variant.

NM_001165963.4(SCN1A):c.1759G>A (p.Glu587Lys)

Gene: SCN1A (sodium voltage-gated channel alpha subunit 1; minus strand). Cytogenetic location: 2q24.3.
Variant type: single nucleotide variant.
Coding change: c.1759G>A on transcript NM_001165963.4 (MANE Select); coding-DNA position 1759, G replaced by A.
Protein change: p.Glu587Lys; replaces glutamic acid 587 with lysine.
Molecular consequence: missense variant. On other transcripts: 5 prime UTR variant (1), non-coding transcript variant (1).
Genome position (GRCh38, 1-based): chr2:166,043,953, C>T on the plus strand (G>A on the coding strand, the complement: SCN1A is on the minus strand). VCF-style: chr2-166043953-C-T. GRCh37 (hg19) VCF-style: chr2-166900463-C-T.
Other names: c.1759G>A, p.Glu587Lys (NM_001165964.3, NM_001202435.3, NM_001353948.2 and 7 more transcripts); c.1756G>A, p.Glu586Lys (NM_001353954.2, NM_001353955.2, NM_001353960.2); c.-667G>A (NM_001353961.2); short protein forms E587K, E586K.
Identifiers: ClinVar variation 392446 (VCV000392446.2), dbSNP rs1057524494, ClinGen allele CA16603940.
Genomic context (GRCh38, chr2:166,043,953, plus strand): 5'-AATCTCTACGGCTCTCGTTATCCTCAAAGGTGCTGTGCTCATCATCTGCGAAGTCGTTCT[C>T]AGATCCCACATCCTTTGCTCGCCCTCTAAAGCTGAAAAGGCTTGTTCTGCTATTTCGCCT-3'
Protein context (NP_001159435.1, residues 577-597): FRGRAKDVGS[Glu587Lys]NDFADDEHST